The following is an entry in ClinVar:

ClinVar aggregate classification (germline): Pathogenic. Review status: criteria provided, multiple submitters, no conflicts (2 of 4 stars). 2 submissions from 2 submitters: Pathogenic (2). Last evaluated 2023-07-17.

Conditions:
Peroxisome biogenesis disorder. Identifiers: Orphanet 79189, MedGen C1832200, MONDO:0019234. Disease mechanism: loss of function.
Peroxisome biogenesis disorder 4A (Zellweger) (PBD4A). Also called: Zellweger syndrome spectrum (PEX6-related). Identifiers: Orphanet 912, MedGen C3553936, MONDO:0013930, OMIM 614862. Disease mechanism: loss of function.

Submissions (2):

Victorian Clinical Genetics Services, Murdoch Childrens Research Institute
Classification: Pathogenic for Peroxisome biogenesis disorder 4A (Zellweger). Last evaluated: 2023-07-17. Review status: criteria provided, single submitter. Criteria: ACMG Guidelines, 2015. Collection method: clinical testing. Allele origin: germline. Inheritance: Autosomal recessive inheritance. Affected: yes.
Comment: Based on the classification scheme VCGS_Germline_v1.3.4, this variant is classified as Pathogenic. Following criteria are met: 0102 - Loss of function is a known mechanism of disease in this gene and is associated with peroxisome biogenesis disorder 4A (Zellweger syndrome). (I) 0108 - This gene is associated with both recessive and dominant disease. Dominant disease is caused by a single recurring missense p.(Arg860Trp) (OMIM, PMID: 29220678). (I) 0201 - Variant is predicted to cause nonsense-mediated decay (NMD) and loss of protein (premature termination codon is located at least 54 nucleotides upstream of the final exon-exon junction). (SP) 0251 - This variant is heterozygous. (I) 0301 - Variant is absent from gnomAD (both v2 and v3). (SP) 0701 - Other NMD predicted variants comparable to the one identified in this case have very strong previous evidence for pathogenicity. Other variants predicted to cause NMD have been reported as pathogenic in individuals with Zellweger Syndrome (ClinVar, DECIPHER). (SP) 0803 - This variant has limited previous evidence of pathogenicity in an unrelated individual. This variant has been classified once as pathogenic by one clinical diagnostic laboratory (ClinVar). (SP) 1201 - Heterozygous variant detected in trans with a second pathogenic heterozygous variant (NM_000287.3(PEX6):c.1054C>T; p.Gln352*) in a recessive disease. (I) Legend: (SP) - Supporting pathogenic, (I) - Information, (SB) - Supporting benign

Labcorp Genetics (formerly Invitae), Labcorp
Classification: Pathogenic for Peroxisome biogenesis disorders, Zellweger syndrome spectrum. Last evaluated: 2019-10-25. Review status: criteria provided, single submitter. Criteria: Invitae Variant Classification Sherloc (09022015). Collection method: clinical testing. Allele origin: germline.
Comment: This sequence change creates a premature translational stop signal (p.Glu666*) in the PEX6 gene. It is expected to result in an absent or disrupted protein product. This variant is not present in population databases (ExAC no frequency). This variant has not been reported in the literature in individuals with PEX6-related conditions. Algorithms developed to predict the effect of sequence changes on RNA splicing suggest that this variant may create or strengthen a splice site, but this prediction has not been confirmed by published transcriptional studies. Loss-of-function variants in PEX6 are known to be pathogenic (PMID: 8670792, 19877282, 21031596). For these reasons, this variant has been classified as Pathogenic.

Literature cited by the submitters: PubMed 29220678 (cited by Victorian Clinical Genetics Services, Murdoch Childrens Research Institute).

NM_000287.4(PEX6):c.1996G>T (p.Glu666Ter)

Gene: PEX6 (peroxisomal biogenesis factor 6; minus strand). Cytogenetic location: 6p21.1.
Variant type: single nucleotide variant.
Coding change: c.1996G>T on transcript NM_000287.4 (MANE Select); coding-DNA position 1996, G replaced by T.
Protein change: p.Glu666Ter; replaces glutamic acid 666 with a stop codon.
Molecular consequence: nonsense. On other transcripts: non-coding transcript variant (1).
Genome position (GRCh38, 1-based): chr6:42,966,623, C>A on the plus strand (G>T on the coding strand, the complement: PEX6 is on the minus strand). VCF-style: chr6-42966623-C-A. GRCh37 (hg19) VCF-style: chr6-42934361-C-A.
Other names: c.1732G>T, p.Glu578Ter (NM_001316313.2); short protein forms E666*, E578*.
Identifiers: ClinVar variation 942518 (VCV000942518.2), dbSNP rs1769818844, ClinGen allele CA364152868.